The following is an entry in ClinVar:

ClinVar aggregate classification (germline): Uncertain significance (1 of 4 stars; one submission).

Submission:

Women's Health and Genetics/Laboratory Corporation of America, LabCorp
Classification: Uncertain significance. Last evaluated: 2025-05-12. Review status: criteria provided, single submitter. Criteria: LabCorp Variant Classification Summary - May 2015. Collection method: clinical testing. Allele origin: germline.
Comment: Variant summary: COL9A3 c.2044_2046delinsAGC (p.Arg682Ser) results in a non-conservative amino acid change in the encoded protein sequence. Algorithms developed to predict the effect of missense changes on protein structure and function are either unavailable or do not agree on the potential impact of this missense change. The variant allele was found at a frequency of 9.7e-06 in 206024 control chromosomes. The available data on variant occurrences in the general population are insufficient to allow any conclusion about variant significance. To our knowledge, no occurrence of c.2044_2046delinsAGC in individuals affected with Epiphyseal Dysplasia, Multiple, 3 and no experimental evidence demonstrating its impact on protein function have been reported. No submitters have cited clinical-significance assessments for this variant to ClinVar. Based on the evidence outlined above, the variant was classified as uncertain significance.

NM_001853.4(COL9A3):c.2044_2046delinsAGC (p.Arg682Ser)

Gene: COL9A3 (collagen type IX alpha 3 chain; plus strand). Cytogenetic location: 20q13.33.
Variant type: Indel.
Coding change: c.2044_2046delinsAGC on transcript NM_001853.4 (MANE Select); coding-DNA positions 2044 to 2046, CGA replaced by AGC.
Protein change: p.Arg682Ser; replaces arginine 682 with serine.
Molecular consequence: missense variant.
Genome position (GRCh38, 1-based): chr20:62,840,721-62,840,723, CGA replaced by AGC. VCF-style: chr20-62840721-CGA-AGC. GRCh37 (hg19) VCF-style: chr20-61472073-CGA-AGC.
Other names: short protein forms R682S.
Identifiers: ClinVar variation 3902291 (VCV003902291.1).